The following is an entry in ClinVar:

ClinVar aggregate classification (germline): Uncertain significance. Review status: criteria provided, multiple submitters, no conflicts (2 of 4 stars). 4 submissions from 4 submitters: Uncertain significance (4). Last evaluated 2026-07-23.

Conditions:
Cardiovascular phenotype. Identifiers: MedGen CN230736.
Legius syndrome. Identifiers: Orphanet 137605, MedGen C1969623, MONDO:0012669, OMIM 611431. Disease mechanism: loss of function.

Allele frequency attached by ClinVar (database versions not stated): gnomAD exomes below 0.00001; gnomAD 0.00001; TOPMed 0.00001.
gnomAD v4.1: 5 of 1,578,040 alleles (0.00032%); highest among the groups gnomAD compares: East Asian, 0.0046%; no homozygotes.

Submissions (4):

Ambry Genetics
Classification: Uncertain significance for Cardiovascular phenotype. Last evaluated: 2026-07-23. Review status: criteria provided, single submitter. Criteria: Ambry Variant Classification Scheme 2023. Collection method: clinical testing. Allele origin: germline.

Women's Health and Genetics/Laboratory Corporation of America, LabCorp
Classification: Uncertain significance. Last evaluated: 2026-03-05. Review status: criteria provided, single submitter. Criteria: LabCorp Variant Classification Summary - May 2015. Collection method: clinical testing. Allele origin: germline.

Labcorp Genetics (formerly Invitae), Labcorp
Classification: Uncertain significance for Legius syndrome. Last evaluated: 2025-11-03. Review status: criteria provided, single submitter. Criteria: Invitae Variant Classification Sherloc (09022015). Collection method: clinical testing. Allele origin: germline.
Comment: This sequence change replaces asparagine, which is neutral and polar, with aspartic acid, which is acidic and polar, at codon 10 of the SPRED1 protein (p.Asn10Asp). This variant is present in population databases (no rsID available, gnomAD 0.007%). This variant has not been reported in the literature in individuals affected with SPRED1-related conditions. ClinVar contains an entry for this variant (Variation ID: 1978868). An algorithm developed to predict the effect of missense changes on protein structure and function (PolyPhen-2) suggests that this variant is likely to be tolerated. In summary, the available evidence is currently insufficient to determine the role of this variant in disease. Therefore, it has been classified as a Variant of Uncertain Significance.

Blueprint Genetics
Classification: Uncertain significance. Last evaluated: 2021-04-13. Review status: criteria provided, single submitter. Criteria: ACMG Guidelines, 2015. Collection method: clinical testing. Allele origin: germline.

NM_152594.3(SPRED1):c.28A>G (p.Asn10Asp)

Gene: SPRED1 (sprouty related EVH1 domain containing 1; plus strand). Cytogenetic location: 15q14.
Variant type: single nucleotide variant.
Coding change: c.28A>G on transcript NM_152594.3 (MANE Select); coding-DNA position 28, A replaced by G.
Protein change: p.Asn10Asp; replaces asparagine 10 with aspartic acid.
Molecular consequence: missense variant.
Genome position (GRCh38, 1-based): chr15:38,253,213, A>G. VCF-style: chr15-38253213-A-G. GRCh37 (hg19) VCF-style: chr15-38545414-A-G.
Other names: c.28A>G (NM_152594.2); short protein forms N10D.
Identifiers: ClinVar variation 1978868 (VCV001978868.9), dbSNP rs779189071, ClinGen allele CA269282659.
Genomic context (GRCh38, chr15:38,253,213, plus strand): 5'-TCCATCTCCAGATCGGATCACGGTGAGGGAAAGATGAGCGAGGAGACGGCGACTTCTGAC[A>G]ACGAGTAAGCGCCTCATTGATCTCGATTGCTAATCCCCCTCCCCCTATCCGCCCTCGGCT-3'
Protein context (NP_689807.1, residues 1-20): MSEETATSD[Asn10Asp]DNSYARVRAV